The following is an entry in ClinVar:

ClinVar aggregate classification (germline): Likely benign. Review status: criteria provided, multiple submitters, no conflicts (2 of 4 stars). 3 submissions from 3 submitters: Likely benign (2). 1 of the submissions does not count toward it. Last evaluated 2026-01-12.

Conditions:
Short-rib thoracic dysplasia 10 with or without polydactyly (SRTD10). Identifiers: Orphanet 474, MedGen C3810175, MONDO:0014284, OMIM 615630.
Retinitis pigmentosa 71 (RP71). Identifiers: Orphanet 791, MedGen C4225342, MONDO:0014618, OMIM 616394.
IFT172-related disorder. Also called: IFT172-related condition; IFT172-related disorders.

Allele frequency attached by ClinVar (database versions not stated): gnomAD 0.00007; TOPMed 0.00008; gnomAD exomes 0.00006 and 0.00008; ExAC 0.00010; ESP Exome Variant Server 0.00008.
gnomAD v4.1: 111 of 1,614,090 alleles (0.0069%); highest among the groups gnomAD compares: Middle Eastern, 0.049%; no homozygotes.

Submissions (3):

Labcorp Genetics (formerly Invitae), Labcorp
Classification: Likely benign for Retinitis pigmentosa 71; Short-rib thoracic dysplasia 10 with or without polydactyly. Last evaluated: 2026-01-12. Review status: criteria provided, single submitter. Criteria: Invitae Variant Classification Sherloc (09022015). Collection method: clinical testing. Allele origin: germline.

Blueprint Genetics
Classification: Likely benign. Last evaluated: 2024-11-05. Review status: criteria provided, single submitter. Criteria: ACMG Guidelines, 2015. Collection method: clinical testing. Allele origin: germline.

PreventionGenetics, part of Exact Sciences
Classification: Likely benign for IFT172-related condition. Last evaluated: 2019-08-27. Review status: no assertion criteria provided. Collection method: clinical testing. Allele origin: germline. Not counted in ClinVar's aggregate classification.
Comment: This variant is classified as likely benign based on ACMG/AMP sequence variant interpretation guidelines (Richards et al. 2015 PMID: 25741868, with internal and published modifications).

NM_015662.3(IFT172):c.4816-8T>C

Genes: IFT172 (intraflagellar transport 172; minus strand), KRTCAP3 (keratinocyte associated protein 3; plus strand). Cytogenetic location: 2p23.3.
Variant type: single nucleotide variant.
Coding change: c.4816-8T>C on transcript NM_015662.3 (MANE Select); 8 bases into the intron before coding-DNA position 4816, T replaced by C.
Molecular consequence: intron variant.
Genome position (GRCh38, 1-based): chr2:27,445,851, A>G on the plus strand (T>C on the coding strand, the complement: IFT172 is on the minus strand). VCF-style: chr2-27445851-A-G. GRCh37 (hg19) VCF-style: chr2-27668718-A-G.
Other names: c.*6-450A>G (NM_001168364.2); c.4750-8T>C (NM_001410739.1).
Identifiers: ClinVar variation 1101378 (VCV001101378.13), dbSNP rs371396353, ClinGen allele CA1579449.